The following is an entry in ClinVar:

ClinVar aggregate classification (germline): Pathogenic (1 of 4 stars; one submission).

Conditions:
Duchenne muscular dystrophy (DMD). Also called: MUSCULAR DYSTROPHY, PSEUDOHYPERTROPHIC PROGRESSIVE, DUCHENNE TYPE; Duchenne Muscular Dystrophy (DMD). Identifiers: Orphanet 98896, MedGen C0013264, MONDO:0010679, OMIM 310200.

Submission:

Labcorp Genetics (formerly Invitae), Labcorp
Classification: Pathogenic for Duchenne muscular dystrophy. Last evaluated: 2023-01-23. Review status: criteria provided, single submitter. Criteria: Invitae Variant Classification Sherloc (09022015). Collection method: clinical testing. Allele origin: unknown.
Comment: For these reasons, this variant has been classified as Pathogenic. A similar copy number variant has been observed in individuals with Duchenne or Becker muscular dystrophy (PMID: 16917894, 21515508; external communication). This variant results in a copy number gain of the genomic region encompassing exon(s) 13-29 of the DMD gene. While the exact position of this variant cannot be determined from the data, sub-genic copy number gains are generally in tandem (PMID: 25640679). This variant is predicted to be in-frame, and likely preserves the integrity of the reading frame.

Literature cited by the submitters: PubMed 16917894; PubMed 21515508; PubMed 25640679.

NC_000023.10:g.(?_32456338)_(32614013_?)dup

Gene: DMD (dystrophin; minus strand). Cytogenetic location: Xp21.1.
Variant type: Duplication.
Identifiers: ClinVar variation 3242832 (VCV003242832.1).